The following is an entry in ClinVar:

ClinVar aggregate classification (germline): Uncertain significance (1 of 4 stars; one submission).

Allele frequency attached by ClinVar (database versions not stated): gnomAD 0.00001; TOPMed 0.00001; gnomAD exomes 0.00002.
gnomAD v4.1: 26 of 1,614,042 alleles (0.0016%); highest among the groups gnomAD compares: Non-Finnish European, 0.0021%; no homozygotes.

Submission:

Labcorp Genetics (formerly Invitae), Labcorp
Classification: Uncertain significance. Last evaluated: 2022-08-31. Review status: criteria provided, single submitter. Criteria: Invitae Variant Classification Sherloc (09022015). Collection method: clinical testing. Allele origin: germline.
Comment: In summary, the available evidence is currently insufficient to determine the role of this variant in disease. Therefore, it has been classified as a Variant of Uncertain Significance. This sequence change replaces arginine, which is basic and polar, with glycine, which is neutral and non-polar, at codon 4737 of the HMCN1 protein (p.Arg4737Gly). This variant is present in population databases (no rsID available, gnomAD 0.0009%). This variant has not been reported in the literature in individuals affected with HMCN1-related conditions. Algorithms developed to predict the effect of missense changes on protein structure and function output the following: SIFT: "Tolerated"; PolyPhen-2: "Benign"; Align-GVGD: "Class C0". The glycine amino acid residue is found in multiple mammalian species, which suggests that this missense change does not adversely affect protein function.

NM_031935.3(HMCN1):c.14209A>G (p.Arg4737Gly)

Gene: HMCN1 (hemicentin 1; plus strand). Cytogenetic location: 1q31.1.
Variant type: single nucleotide variant.
Coding change: c.14209A>G on transcript NM_031935.3 (MANE Select); coding-DNA position 14209, A replaced by G.
Protein change: p.Arg4737Gly; replaces arginine 4737 with glycine.
Molecular consequence: missense variant.
Genome position (GRCh38, 1-based): chr1:186,144,646, A>G. VCF-style: chr1-186144646-A-G. GRCh37 (hg19) VCF-style: chr1-186113778-A-G.
Other names: short protein forms R4737G.
Identifiers: ClinVar variation 1944959 (VCV001944959.5), dbSNP rs1317155099, ClinGen allele CA343915432.